The following is an entry in ClinVar:

NM_000742.4(CHRNA2):c.907G>A (p.Val303Met)

Gene: CHRNA2 (cholinergic receptor nicotinic alpha 2 subunit; minus strand). Cytogenetic location: 8p21.2.
Variant type: single nucleotide variant.
Coding change: c.907G>A on transcript NM_000742.4 (MANE Select); coding-DNA position 907, G replaced by A.
Protein change: p.Val303Met; replaces valine 303 with methionine.
Molecular consequence: missense variant.
Genome position (GRCh38, 1-based): chr8:27,463,536, C>T on the plus strand (G>A on the coding strand, the complement: CHRNA2 is on the minus strand). VCF-style: chr8-27463536-C-T. GRCh37 (hg19) VCF-style: chr8-27321053-C-T.
Other names: c.862G>A, p.Val288Met (NM_001282455.2); c.430G>A, p.Val144Met (NM_001347705.2, NM_001347706.2); c.313G>A, p.Val105Met (NM_001347707.2, NM_001347708.2); short protein forms V144M, V105M, V288M, V303M.
Identifiers: ClinVar variation 2104214 (VCV002104214.4), dbSNP rs2132652645, ClinGen allele CA370810308.

ClinVar aggregate classification (germline): Uncertain significance (1 of 4 stars; one submission).

Conditions:
Familial sleep-related hypermotor epilepsy. Also called: Autosomal Dominant Sleep-Related Hypermotor (Hyperkinetic) Epilepsy. Identifiers: Orphanet 98784, MedGen C3696898, MONDO:0000030.

Submission:

Labcorp Genetics (formerly Invitae), Labcorp
Classification: Uncertain significance. Last evaluated: 2022-11-22. Review status: criteria provided, single submitter. Criteria: Invitae Variant Classification Sherloc (09022015). Collection method: clinical testing. Allele origin: germline.
Comment: In summary, the available evidence is currently insufficient to determine the role of this variant in disease. Therefore, it has been classified as a Variant of Uncertain Significance. Advanced modeling of protein sequence and biophysical properties (such as structural, functional, and spatial information, amino acid conservation, physicochemical variation, residue mobility, and thermodynamic stability) performed at Invitae indicates that this missense variant is expected to disrupt CHRNA2 protein function. This variant has not been reported in the literature in individuals affected with CHRNA2-related conditions. This variant is not present in population databases (gnomAD no frequency). This sequence change replaces valine, which is neutral and non-polar, with methionine, which is neutral and non-polar, at codon 303 of the CHRNA2 protein (p.Val303Met).